The following is an entry in ClinVar:

ClinVar aggregate classification (germline): Uncertain significance (1 of 4 stars; one submission).

Conditions:
Early-onset Parkinson disease 20. Also called: PARKINSON DISEASE 20, AUTOSOMAL RECESSIVE EARLY-ONSET. Identifiers: Orphanet 391411, MedGen C3809824, MONDO:0014233, OMIM 615530.
Developmental and epileptic encephalopathy, 53. Also called: Epileptic encephalopathy, early infantile, 53. Identifiers: MedGen C4479313, MONDO:0033362, OMIM 617389.

Allele frequency attached by ClinVar (database versions not stated): gnomAD exomes below 0.00001; ExAC 0.00001.
gnomAD v4.1: 5 of 1,567,722 alleles (0.00032%); highest among the groups gnomAD compares: South Asian, 0.0012%; no homozygotes.

Submission:

Labcorp Genetics (formerly Invitae), Labcorp
Classification: Uncertain significance for Developmental and epileptic encephalopathy, 53; Early-onset Parkinson disease 20. Last evaluated: 2019-11-06. Review status: criteria provided, single submitter. Criteria: Invitae Variant Classification Sherloc (09022015). Collection method: clinical testing. Allele origin: germline.
Comment: In summary, the available evidence is currently insufficient to determine the role of this variant in disease. Therefore, it has been classified as a Variant of Uncertain Significance. Algorithms developed to predict the effect of missense changes on protein structure and function are either unavailable or do not agree on the potential impact of this missense change (SIFT: "Deleterious"; PolyPhen-2: "Probably Damaging"; Align-GVGD: "Class C0"). This variant has not been reported in the literature in individuals with SYNJ1-related conditions. The frequency data for this variant in the population databases is considered unreliable, as metrics indicate poor data quality at this position in the ExAC database. This sequence change replaces arginine with glutamine at codon 289 of the SYNJ1 protein (p.Arg289Gln). The arginine residue is highly conserved and there is a small physicochemical difference between arginine and glutamine.

NM_203446.3(SYNJ1):c.749G>A (p.Arg250Gln)

Gene: SYNJ1 (synaptojanin 1; minus strand). Cytogenetic location: 21q22.11.
Variant type: single nucleotide variant.
Coding change: c.749G>A on transcript NM_203446.3 (MANE Select); coding-DNA position 749, G replaced by A.
Protein change: p.Arg250Gln; replaces arginine 250 with glutamine.
Molecular consequence: missense variant.
Genome position (GRCh38, 1-based): chr21:32,694,268, C>T on the plus strand (G>A on the coding strand, the complement: SYNJ1 is on the minus strand). VCF-style: chr21-32694268-C-T. GRCh37 (hg19) VCF-style: chr21-34066578-C-T.
Other names: c.749G>A, p.Arg250Gln (NM_001160302.2, NM_001160306.2); c.866G>A, p.Arg289Gln (NM_003895.4); short protein forms R250Q, R289Q.
Identifiers: ClinVar variation 938727 (VCV000938727.8), dbSNP rs762909719, ClinGen allele CA10004062.
Genomic context (GRCh38, chr21:32,694,268, plus strand): 5'-ACTGAATGTCAAACACATACTTGCAACCCTGGTTGCTCCCAGAACAATGGAACAGATCCT[C>T]GGATTTGTATGAAGGAAGAAACTGAGTCATCTAAGTACACAACCTACAGAAAAAAAAATA-3'
Protein context (NP_982271.3, residues 240-260): DDSVSSFIQI[Arg250Gln]GSVPLFWEQP